The following is an entry in ClinVar:

ClinVar aggregate classification (germline): Pathogenic. Review status: criteria provided, multiple submitters, no conflicts (2 of 4 stars). 3 submissions from 3 submitters: Pathogenic (3). Last evaluated 2025-04-02.

Conditions:
Hereditary cancer-predisposing syndrome. Also called: Neoplastic Syndromes, Hereditary; Tumor predisposition; Hereditary Cancer Syndrome; Hereditary neoplastic syndrome. Identifiers: Orphanet 140162, MedGen C0027672, MeSH D009386, MONDO:0015356.
Familial adenomatous polyposis 3. Also called: NTHL1-Related Adenomatous Polyposis and Colorectal Cancer; NTHL1 Tumor Syndrome; NTHL1-associated polyposis; NTHL1-related attenuated familial adenomatous polyposis. Identifiers: Orphanet 220460, Orphanet 454840, MedGen C4225157, MONDO:0014630, OMIM 616415.

Submissions (3):

Ambry Genetics
Classification: Pathogenic for Hereditary cancer-predisposing syndrome. Last evaluated: 2025-04-02. Review status: criteria provided, single submitter. Criteria: Ambry Variant Classification Scheme 2023. Collection method: clinical testing. Allele origin: germline.
Comment: The c.289dupG pathogenic mutation, located in coding exon 2 of the NTHL1 gene, results from a duplication of G at nucleotide position 289, causing a translational frameshift with a predicted alternate stop codon (p.V97Gfs*20). This variant is considered to be rare based on population cohorts in the Genome Aggregation Database (gnomAD). This alteration is expected to result in loss of function by premature protein truncation or nonsense-mediated mRNA decay. As such, this alteration is interpreted as a disease-causing mutation.

Myriad Genetics, Inc.
Classification: Pathogenic for Familial adenomatous polyposis 3. Last evaluated: 2023-09-01. Review status: criteria provided, single submitter. Criteria: Myriad Autosomal Dominant, Autosomal Recessive and X-Linked Classification Criteria (2023). Collection method: clinical testing. Allele origin: unknown.
Comment: This variant is considered pathogenic. This variant creates a frameshift predicted to result in premature protein truncation.

Labcorp Genetics (formerly Invitae), Labcorp
Classification: Pathogenic. Last evaluated: 2020-05-29. Review status: criteria provided, single submitter. Criteria: Invitae Variant Classification Sherloc (09022015). Collection method: clinical testing. Allele origin: germline.
Comment: For these reasons, this variant has been classified as Pathogenic. Loss-of-function variants in NTHL1 are known to be pathogenic (PMID: 25938944, 26559593). This variant has not been reported in the literature in individuals with NTHL1-related conditions. This variant is not present in population databases (ExAC no frequency). This sequence change creates a premature translational stop signal (p.Val97Glyfs*20) in the NTHL1 gene. It is expected to result in an absent or disrupted protein product.

Literature cited by the submitters: PubMed 25938944 (cited by Labcorp Genetics (formerly Invitae), Labcorp); PubMed 26559593 (cited by Labcorp Genetics (formerly Invitae), Labcorp).

NM_002528.7(NTHL1):c.265dup (p.Val89fs)

Gene: NTHL1 (nth like DNA glycosylase 1; minus strand). Cytogenetic location: 16p13.3.
Variant type: Duplication.
Coding change: c.265dup on transcript NM_002528.7 (MANE Select); coding-DNA position 265, one base duplicated (G; older notation c.265dupG).
Protein change: p.Val89fs; shifts the reading frame from valine 89.
Molecular consequence: frameshift variant. On other transcripts: intron variant (1).
Genome position (GRCh38, 1-based): chr16:2,046,217, C duplicated on the plus strand (G on the coding strand, the reverse complement: NTHL1 is on the minus strand); the first of 2 consecutive C bases (chr16:2,046,217-2,046,218); duplicating either gives the same sequence. VCF-style (leftmost placement, unchanged base first): chr16-2046216-A-AC. GRCh37 (hg19) VCF-style: chr16-2096217-A-AC.
Other names: c.265dup, p.Val89fs (NM_001318193.2); c.24+62dup (NM_001318194.2); short protein forms V89fs.
Identifiers: ClinVar variation 1070434 (VCV001070434.11), dbSNP rs2150945928, ClinGen allele CA2499223262.